The following is an entry in ClinVar:

NM_030973.4(MED25):c.769C>T (p.Leu257Phe)

Gene: MED25 (mediator complex subunit 25; plus strand). Cytogenetic location: 19q13.33.
Variant type: single nucleotide variant.
Coding change: c.769C>T on transcript NM_030973.4 (MANE Select); coding-DNA position 769, C replaced by T.
Protein change: p.Leu257Phe; replaces leucine 257 with phenylalanine.
Molecular consequence: missense variant.
Genome position (GRCh38, 1-based): chr19:49,830,168, C>T. VCF-style: chr19-49830168-C-T. GRCh37 (hg19) VCF-style: chr19-50333425-C-T.
Other names: c.769C>T, p.Leu257Phe (NM_001378355.1); short protein forms L257F.
Identifiers: ClinVar variation 1966334 (VCV001966334.5), dbSNP rs1057519203, ClinGen allele CA406914100.

ClinVar aggregate classification (germline): Uncertain significance (1 of 4 stars; one submission).

Conditions:
Charcot-Marie-Tooth disease type 2. Also called: Charcot-Marie-Tooth type 2. Identifiers: Orphanet 64746, MedGen C0270914, MONDO:0018993.

Submission:

Labcorp Genetics (formerly Invitae), Labcorp
Classification: Uncertain significance for Charcot-Marie-Tooth disease type 2. Last evaluated: 2022-03-28. Review status: criteria provided, single submitter. Criteria: Invitae Variant Classification Sherloc (09022015). Collection method: clinical testing. Allele origin: germline.
Comment: Algorithms developed to predict the effect of missense changes on protein structure and function are either unavailable or do not agree on the potential impact of this missense change (SIFT: "Tolerated"; PolyPhen-2: "Possibly Damaging"; Align-GVGD: "Class C0"). In summary, the available evidence is currently insufficient to determine the role of this variant in disease. Therefore, it has been classified as a Variant of Uncertain Significance. This variant has not been reported in the literature in individuals affected with MED25-related conditions. This variant is present in population databases (no rsID available, gnomAD 0.0009%). This sequence change replaces leucine, which is neutral and non-polar, with phenylalanine, which is neutral and non-polar, at codon 257 of the MED25 protein (p.Leu257Phe).